The following is an entry in ClinVar:

ClinVar aggregate classification (germline): Uncertain significance (1 of 4 stars; one submission).

Conditions:
TTN-related disorder. Also called: TTN-related condition; TTN-related disease; TTN-related disorders.

Submission:

PreventionGenetics, part of Exact Sciences
Classification: Uncertain significance for TTN-related condition. Last evaluated: 2025-10-15. Review status: criteria provided, single submitter. Criteria: ACMG Guidelines, 2015. Collection method: clinical testing. Allele origin: germline.
Comment: The TTN c.7066A>G variant is predicted to result in the amino acid substitution p.Ile2356Val. To our knowledge, this variant has not been reported in the literature or in a large population database (gnomAD), indicating this variant is rare. At this time, the clinical significance of this variant is uncertain due to the absence of conclusive functional and genetic evidence.

NM_001267550.2(TTN):c.7066A>G (p.Ile2356Val)

Genes: TTN (titin; minus strand), LOC126806433 (BRD4-independent group 4 enhancer GRCh37_chr2:179638309-179639508; plus strand). Cytogenetic location: 2q31.2.
Variant type: single nucleotide variant.
Coding change: c.7066A>G on transcript NM_001267550.2 (MANE Select); coding-DNA position 7066, A replaced by G.
Protein change: p.Ile2356Val; replaces isoleucine 2356 with valine.
Molecular consequence: missense variant.
Genome position (GRCh38, 1-based): chr2:178,774,102, T>C on the plus strand (A>G on the coding strand, the complement: TTN is on the minus strand). VCF-style: chr2-178774102-T-C. GRCh37 (hg19) VCF-style: chr2-179638829-T-C.
Other names: c.7066A>G, p.Ile2356Val (NM_001256850.1, NM_133378.4, NM_133379.5); c.6928A>G, p.Ile2310Val (NM_003319.4, NM_133432.3, NM_133437.4); short protein forms I2310V, I2356V.
Identifiers: ClinVar variation 4995799 (VCV004995799.1).
Genomic context (GRCh38, chr2:178,774,102, plus strand): 5'-CAAGCTGAACAATGTCACCCTCACAGACTTTTTGGTCACTAAGTCCTTGTAGGATAGCAA[T>C]GGGGCGGGCTGTGAAATATGGGGAGAAAAAGAATGTTATGATCATTTTTTATCAATAAAC-3'
Protein context (NP_001254479.2, residues 2346-2366): TCKLKMKPRP[Ile2356Val]AILQGLSDQK